The following is an entry in ClinVar:

NM_182961.4(SYNE1):c.3298A>C (p.Thr1100Pro)

Gene: SYNE1 (spectrin repeat containing nuclear envelope protein 1; minus strand). Cytogenetic location: 6q25.2.
Variant type: single nucleotide variant.
Coding change: c.3298A>C on transcript NM_182961.4 (MANE Select); coding-DNA position 3298, A replaced by C.
Protein change: p.Thr1100Pro; replaces threonine 1100 with proline.
Molecular consequence: missense variant.
Genome position (GRCh38, 1-based): chr6:152,450,722, T>G on the plus strand (A>C on the coding strand, the complement: SYNE1 is on the minus strand). VCF-style: chr6-152450722-T-G. GRCh37 (hg19) VCF-style: chr6-152771857-T-G.
Other names: c.3319A>C, p.Thr1107Pro (NM_033071.5); short protein forms T1100P, T1107P.
Identifiers: ClinVar variation 3571899 (VCV003571899.1).
Genomic context (GRCh38, chr6:152,450,722, plus strand): 5'-TGAGCTTCCTGTAGGTGCTGTCAATGGCAGCTCTGAGCTCTTTGAGAGTCACGTGACAGG[T>G]TCCAGGTGTGTCCCTTACTGGGTCCCGCACTGGGAGTTTCACACAGAGTTCCTCGATGAG-3'
Protein context (NP_892006.3, residues 1090-1110): VRDPVRDTPG[Thr1100Pro]CHVTLKELRA

ClinVar aggregate classification (germline): Uncertain significance (1 of 4 stars; one submission).

gnomAD v4.1: 5 of 1,614,010 alleles (0.00031%); highest among the groups gnomAD compares: African/African-American, 0.0053%; no homozygotes.

Submission:

Athena Diagnostics
Classification: Uncertain significance. Last evaluated: 2023-10-20. Review status: criteria provided, single submitter. Criteria: Athena Diagnostics Criteria. Collection method: clinical testing. Allele origin: unknown.
Comment: Available data are insufficient to determine the clinical significance of the variant at this time. The frequency of this variant in the general population is uninformative in assessment of its pathogenicity. Computational tools predict that this variant is not damaging.